The following is an entry in ClinVar:

ClinVar aggregate classification (germline): Uncertain significance (1 of 4 stars; one submission).

Conditions:
Glycogen storage disease type III (GSD3). Also called: Cori disease; FORBES DISEASE. Identifiers: Orphanet 366, MedGen C0017922, MONDO:0009291, OMIM 232400.

Allele frequency attached by ClinVar (database versions not stated): gnomAD 0.00001; TOPMed 0.00002; ESP Exome Variant Server 0.00008.
gnomAD v4.1: 5 of 1,613,842 alleles (0.00031%); highest among the groups gnomAD compares: Non-Finnish European, 0.00034%; no homozygotes.

Submission:

Labcorp Genetics (formerly Invitae), Labcorp
Classification: Uncertain significance for Glycogen storage disease type III. Last evaluated: 2022-08-05. Review status: criteria provided, single submitter. Criteria: Invitae Variant Classification Sherloc (09022015). Collection method: clinical testing. Allele origin: germline.
Comment: This sequence change replaces histidine, which is basic and polar, with leucine, which is neutral and non-polar, at codon 866 of the AGL protein (p.His866Leu). This variant is present in population databases (rs367713487, gnomAD 0.002%). This variant has not been reported in the literature in individuals affected with AGL-related conditions. ClinVar contains an entry for this variant (Variation ID: 945407). Algorithms developed to predict the effect of missense changes on protein structure and function (SIFT, PolyPhen-2, Align-GVGD) all suggest that this variant is likely to be tolerated. In summary, the available evidence is currently insufficient to determine the role of this variant in disease. Therefore, it has been classified as a Variant of Uncertain Significance.

NM_000642.3(AGL):c.2597A>T (p.His866Leu)

Gene: AGL (amylo-alpha-1,6-glucosidase and 4-alpha-glucanotransferase; plus strand). Cytogenetic location: 1p21.2.
Variant type: single nucleotide variant.
Coding change: c.2597A>T on transcript NM_000642.3 (MANE Select); coding-DNA position 2597, A replaced by T.
Protein change: p.His866Leu; replaces histidine 866 with leucine.
Molecular consequence: missense variant.
Genome position (GRCh38, 1-based): chr1:99,884,619, A>T. VCF-style: chr1-99884619-A-T. GRCh37 (hg19) VCF-style: chr1-100350175-A-T.
Other names: c.2393A>T, p.His798Leu (NM_001425328.1); c.2219A>T, p.His740Leu (NM_001425332.1); c.2597A>T, p.His866Leu (NM_000028.3, NM_000643.3, NM_000644.3 and 2 more transcripts); c.2549A>T, p.His850Leu (NM_000646.3); c.2396A>T, p.His799Leu (NM_001425327.1); short protein forms H850L, H866L, H740L, H798L, H799L.
Identifiers: ClinVar variation 945407 (VCV000945407.7), dbSNP rs367713487, ClinGen allele CA966837.
Genomic context (GRCh38, chr1:99,884,619, plus strand): 5'-ACATTTTCAGAGTTAGTCTTGATCCACATGCACAAGTCGCTGTTGGAATTCTTCGAAATC[A>T]TCTGACACAATTCAGTCCTCACTTTAAATCTGGCAGCCTAGCTGTTGACAATGCAGATCC-3'
Protein context (NP_000633.2, residues 856-876): AQVAVGILRN[His866Leu]LTQFSPHFKS